The following is an entry in ClinVar:

NM_000466.3(PEX1):c.1552_1553delinsA (p.Leu518fs)

Gene: PEX1 (peroxisomal biogenesis factor 1; minus strand). Cytogenetic location: 7q21.2.
Variant type: Indel.
Coding change: c.1552_1553delinsA on transcript NM_000466.3 (MANE Select); coding-DNA positions 1552 to 1553, TT replaced by A.
Protein change: p.Leu518fs; shifts the reading frame from leucine 518.
Molecular consequence: frameshift variant.
Genome position (GRCh38, 1-based): chr7:92,510,978-92,510,979, AA replaced by T on the plus strand (TT replaced by A on the coding strand, the reverse complement: PEX1 is on the minus strand). VCF-style: chr7-92510978-AA-T. GRCh37 (hg19) VCF-style: chr7-92140292-AA-T.
Other names: c.1552_1553delinsA, p.Leu518fs (NM_001282677.2); c.928_929delinsA, p.Leu310fs (NM_001282678.2); short protein forms L310fs, L518fs.
Identifiers: ClinVar variation 1725098 (VCV001725098.3), dbSNP rs2484685766, ClinGen allele CA2580078165.
Genomic context (GRCh38, chr7:92,510,978, plus strand): 5'-TTAAATATTCAATAACATGCTATTACTTGTATTGTAGTCTTCTGCAGCAAATTGGGACTC[AA>T]CAGAAAAATATTTTTATCTTTTTCTTTTTCCCAAGAATGAACTATACTCAGAGAAAATTC-3'

ClinVar aggregate classification (germline): Likely pathogenic (1 of 4 stars; one submission).

Conditions:
Peroxisome biogenesis disorder. Identifiers: Orphanet 79189, MedGen C1832200, MONDO:0019234. Disease mechanism: loss of function.

Submission:

Myriad Genetics, Inc.
Classification: Likely pathogenic for Peroxisome biogenesis disorder. Last evaluated: 2022-03-08. Review status: criteria provided, single submitter. Criteria: Myriad Autosomal Dominant, Autosomal Recessive and X-Linked Classification Criteria (2023). Collection method: clinical testing. Allele origin: unknown.
Comment: NM_000466.2(PEX1):c.1552_1553delTTinsA(L518Rfs*15) is expected to be pathogenic in the context of peroxisome biogenesis disorder type 1. This variant is predicted to lead to an abnormal or absent protein product due to the creation of a premature termination codon in PEX1, a gene where loss-of-function variants are known to be pathogenic. Please note: this variant was assessed in the context of healthy population screening.